The following is an entry in ClinVar:

NM_015311.3(OBSL1):c.5556_5557insTC (p.Lys1853fs)

Gene: OBSL1 (obscurin like cytoskeletal adaptor 1; minus strand). Cytogenetic location: 2q35.
Variant type: Insertion.
Coding change: c.5556_5557insTC on transcript NM_015311.3 (MANE Select); coding-DNA positions 5556 to 5557, TC inserted.
Protein change: p.Lys1853fs; shifts the reading frame from lysine 1853.
Molecular consequence: frameshift variant.
Genome position: GRCh38 VCF-style: chr2-219551655-T-TGA. GRCh37 (hg19) VCF-style: chr2-220416377-T-TGA.
Other names: short protein forms K1853fs.
Identifiers: ClinVar variation 2498079 (VCV002498079.2), dbSNP rs2546180341, ClinGen allele CA2580065778.

ClinVar aggregate classification (germline): Likely pathogenic (1 of 4 stars; one submission).

Conditions:
3M syndrome 2. Also called: THREE M SYNDROME 2; 3-M Syndrome, OBSL1-Related. Identifiers: Orphanet 2616, MedGen C2752041, MONDO:0013039, OMIM 612921.

Submission:

Payam Genetics Center, General Welfare Department of North Khorasan Province
Classification: Likely pathogenic for 3M syndrome 2. Last evaluated: 2023-03-01. Review status: criteria provided, single submitter. Criteria: ACMG Guidelines, 2015. Collection method: clinical testing. Allele origin: germline. Affected: no. Observed: 1 variant allele.
Comment: The OBSL1 c.5556_5557insTC (p.K1853fs) is a framshift mutation and its result is a truncated or nonfunctional protien. The OBSL1 gene is associated whit autosomal recessive 3M syndrome.This variant is not present in population databases (ExAC no frequency), was not found in 1000G, AD exome, and Iranom. This variant has not been reported in the literature in individuals affected with OBSL1-related conditions. This variant predicted as Pathogenic according to ACMG.